The following is an entry in ClinVar:

ClinVar aggregate classification (germline): Uncertain significance. Review status: criteria provided, multiple submitters, no conflicts (2 of 4 stars). 2 submissions from 2 submitters: Uncertain significance (2). Last evaluated 2025-05-07.

Conditions:
Inborn genetic diseases. Identifiers: MedGen C0950123, MeSH D030342.

Allele frequency attached by ClinVar (database versions not stated): gnomAD exomes below 0.00001; gnomAD 0.00001; TOPMed 0.00001; ExAC 0.00002; 1000 Genomes Project 30x 0.00016; 1000 Genomes Project 0.00020.
gnomAD v4.1: 6 of 1,613,290 alleles (0.00037%); highest among the groups gnomAD compares: East Asian, 0.013%; no homozygotes.

Submissions (2):

Ambry Genetics
Classification: Uncertain significance for Inborn genetic diseases. Last evaluated: 2025-05-07. Review status: criteria provided, single submitter. Criteria: Ambry Variant Classification Scheme 2023. Collection method: clinical testing. Allele origin: germline.

Labcorp Genetics (formerly Invitae), Labcorp
Classification: Uncertain significance. Last evaluated: 2022-09-19. Review status: criteria provided, single submitter. Criteria: Invitae Variant Classification Sherloc (09022015). Collection method: clinical testing. Allele origin: germline.
Comment: This variant has not been reported in the literature in individuals affected with MRPS22-related conditions. This sequence change replaces glutamine, which is neutral and polar, with arginine, which is basic and polar, at codon 290 of the MRPS22 protein (p.Gln290Arg). This variant is present in population databases (rs576476643, gnomAD 0.02%). Advanced modeling of protein sequence and biophysical properties (such as structural, functional, and spatial information, amino acid conservation, physicochemical variation, residue mobility, and thermodynamic stability) performed at Invitae indicates that this missense variant is not expected to disrupt MRPS22 protein function. In summary, the available evidence is currently insufficient to determine the role of this variant in disease. Therefore, it has been classified as a Variant of Uncertain Significance.

NM_020191.4(MRPS22):c.869A>G (p.Gln290Arg)

Gene: MRPS22 (mitochondrial ribosomal protein S22; plus strand). Cytogenetic location: 3q23.
Variant type: single nucleotide variant.
Coding change: c.869A>G on transcript NM_020191.4 (MANE Select); coding-DNA position 869, A replaced by G.
Protein change: p.Gln290Arg; replaces glutamine 290 with arginine.
Molecular consequence: missense variant.
Genome position (GRCh38, 1-based): chr3:139,352,783, A>G. VCF-style: chr3-139352783-A-G. GRCh37 (hg19) VCF-style: chr3-139071625-A-G.
Other names: c.746A>G, p.Gln249Arg (NM_001363857.1); c.866A>G, p.Gln289Arg (NM_001363893.1); c.869A>G (NM_020191.2); short protein forms Q249R, Q289R, Q290R.
Identifiers: ClinVar variation 1949634 (VCV001949634.6), dbSNP rs576476643, ClinGen allele CA2640827.